The following is an entry in ClinVar:

ClinVar aggregate classification (germline): Uncertain significance (1 of 4 stars; one submission).

Allele frequency attached by ClinVar (database versions not stated): gnomAD exomes 0.00001.
gnomAD v4.1: 11 of 1,205,362 alleles (0.00091%); highest among the groups gnomAD compares: East Asian, 0.003%; no homozygotes.

Submission:

GeneDx
Classification: Uncertain significance. Last evaluated: 2025-05-15. Review status: criteria provided, single submitter. Criteria: GeneDx Variant Classification Process June 2021. Collection method: clinical testing. Allele origin: germline. Affected: yes.
Comment: In silico analysis supports that this missense variant has a deleterious effect on protein structure/function; Has not been previously published as pathogenic or benign to our knowledge

NM_001039591.3(USP9X):c.4303A>G (p.Lys1435Glu)

Gene: USP9X (ubiquitin specific peptidase 9 X-linked; plus strand). Cytogenetic location: Xp11.4.
Variant type: single nucleotide variant.
Coding change: c.4303A>G on transcript NM_001039591.3 (MANE Select); coding-DNA position 4303, A replaced by G.
Protein change: p.Lys1435Glu; replaces lysine 1435 with glutamic acid.
Molecular consequence: missense variant.
Genome position (GRCh38, 1-based): chrX:41,197,433, A>G. VCF-style: chrX-41197433-A-G. GRCh37 (hg19) VCF-style: chrX-41056686-A-G.
Other names: c.4303A>G, p.Lys1435Glu (NM_001039590.3); c.4318A>G, p.Lys1440Glu (NM_001410748.1, NM_001410749.1); short protein forms K1435E, K1440E.
Identifiers: ClinVar variation 2136224 (VCV002136224.4), dbSNP rs878993594, ClinGen allele CA329016922.